The following is an entry in ClinVar:

ClinVar aggregate classification (germline): Uncertain significance. Review status: criteria provided, multiple submitters, no conflicts (2 of 4 stars). 2 submissions from 2 submitters: Uncertain significance (2). Last evaluated 2025-03-27.

Conditions:
Hereditary cancer-predisposing syndrome. Also called: Neoplastic Syndromes, Hereditary; Tumor predisposition; Hereditary Cancer Syndrome; Hereditary neoplastic syndrome. Identifiers: Orphanet 140162, MedGen C0027672, MeSH D009386, MONDO:0015356.
Hereditary nonpolyposis colorectal neoplasms. Identifiers: MedGen C0009405, MeSH D003123.

Submissions (2):

Ambry Genetics
Classification: Uncertain significance for Hereditary cancer-predisposing syndrome. Last evaluated: 2025-03-27. Review status: criteria provided, single submitter. Criteria: Ambry Variant Classification Scheme 2023. Collection method: clinical testing. Allele origin: germline.
Comment: The p.Q1122P variant (also known as c.3365A>C), located in coding exon 5 of the MSH6 gene, results from an A to C substitution at nucleotide position 3365. The glutamine at codon 1122 is replaced by proline, an amino acid with similar properties. This amino acid position is conserved. In addition, the in silico prediction for this alteration is inconclusive. Based on the available evidence, the clinical significance of this variant remains unclear.

Labcorp Genetics (formerly Invitae), Labcorp
Classification: Uncertain significance for Hereditary nonpolyposis colorectal neoplasms. Last evaluated: 2021-10-11. Review status: criteria provided, single submitter. Criteria: Invitae Variant Classification Sherloc (09022015). Collection method: clinical testing. Allele origin: germline.
Comment: This variant is not present in population databases (ExAC no frequency). In summary, the available evidence is currently insufficient to determine the role of this variant in disease. Therefore, it has been classified as a Variant of Uncertain Significance. Algorithms developed to predict the effect of missense changes on protein structure and function (SIFT, PolyPhen-2, Align-GVGD) all suggest that this variant is likely to be tolerated. This variant has not been reported in the literature in individuals affected with MSH6-related conditions. This sequence change replaces glutamine with proline at codon 1122 of the MSH6 protein (p.Gln1122Pro). The glutamine residue is weakly conserved and there is a moderate physicochemical difference between glutamine and proline.

NM_000179.3(MSH6):c.3365A>C (p.Gln1122Pro)

Gene: MSH6 (mutS homolog 6; plus strand). Cytogenetic location: 2p16.3.
Variant type: single nucleotide variant.
Coding change: c.3365A>C on transcript NM_000179.3 (MANE Select); coding-DNA position 3365, A replaced by C.
Protein change: p.Gln1122Pro; replaces glutamine 1122 with proline.
Molecular consequence: missense variant.
Genome position (GRCh38, 1-based): chr2:47,803,612, A>C. VCF-style: chr2-47803612-A-C. GRCh37 (hg19) VCF-style: chr2-48030751-A-C.
Other names: c.2975A>C, p.Gln992Pro (NM_001281492.2); c.2459A>C, p.Gln820Pro (NM_001281493.2, NM_001281494.2); short protein forms Q992P, Q820P, Q1122P.
Identifiers: ClinVar variation 649392 (VCV000649392.8), dbSNP rs1572735859, ClinGen allele CA346758786.